The following is an entry in ClinVar:

ClinVar aggregate classification (germline): Pathogenic/Likely pathogenic. Review status: criteria provided, multiple submitters, no conflicts (2 of 4 stars). 4 submissions from 4 submitters: Pathogenic (2); Likely pathogenic (2). Last evaluated 2025-11-02.

Conditions:
HPS1-related disorders.
Hermansky-Pudlak syndrome 1 (HPS1). Also called: DELTA STORAGE POOL DISEASE. Identifiers: Orphanet 231500, Orphanet 79430, MedGen C2931875, MONDO:0008748, OMIM 203300.

Submissions (4):

Myriad Genetics, Inc.
Classification: Pathogenic for Hermansky-Pudlak syndrome 1. Last evaluated: 2025-11-02. Review status: criteria provided, single submitter. Criteria: Myriad Autosomal Dominant, Autosomal Recessive and X-Linked Classification Criteria (2023). Collection method: clinical testing. Allele origin: unknown.
Comment: NM_000195.3(HPS1):c.1473dupC(S492Qfs*90) is expected to be pathogenic in the context of Hermansky-Pudlak syndrome, HPS1-related. This variant is predicted to lead to an abnormal or absent protein product due to the creation of a premature termination codon in HPS1, a gene where loss-of-function variants are known to be pathogenic. Please note: this variant was assessed in the context of healthy population screening.

Baylor Genetics
Classification: Likely pathogenic for Hermansky-Pudlak syndrome 1. Last evaluated: 2023-01-07. Review status: criteria provided, single submitter. Criteria: ACMG Guidelines, 2015. Collection method: clinical testing. Allele origin: unknown.

Labcorp Genetics (formerly Invitae), Labcorp
Classification: Pathogenic. Last evaluated: 2021-08-26. Review status: criteria provided, single submitter. Criteria: Invitae Variant Classification Sherloc (09022015). Collection method: clinical testing. Allele origin: germline.
Comment: This sequence change creates a premature translational stop signal (p.Ser492Glnfs*90) in the HPS1 gene. It is expected to result in an absent or disrupted protein product. Loss-of-function variants in HPS1 are known to be pathogenic (PMID: 12442288, 16185271). This variant is not present in population databases (ExAC no frequency). This variant has not been reported in the literature in individuals affected with HPS1-related conditions. For these reasons, this variant has been classified as Pathogenic.

Blueprint Genetics
Classification: Likely pathogenic for HPS1-related disorders. Last evaluated: 2021-02-24. Review status: criteria provided, single submitter. Criteria: ACMG Guidelines, 2015. Collection method: clinical testing. Allele origin: germline. Affected: yes. Observed: 2 variant alleles.

Literature cited by the submitters: PubMed 12442288 (cited by Labcorp Genetics (formerly Invitae), Labcorp); PubMed 16185271 (cited by Labcorp Genetics (formerly Invitae), Labcorp).

NM_000195.5(HPS1):c.1473dup (p.Ser492fs)

Gene: HPS1 (HPS1 biogenesis of lysosomal organelles complex 3 subunit 1; minus strand). Cytogenetic location: 10q24.2.
Variant type: Duplication.
Coding change: c.1473dup on transcript NM_000195.5 (MANE Select); coding-DNA position 1473, one base duplicated (C; older notation c.1473dupC).
Protein change: p.Ser492fs; shifts the reading frame from serine 492.
Molecular consequence: frameshift variant.
Genome position (GRCh38, 1-based): chr10:98,423,812, G duplicated on the plus strand (C on the coding strand, the reverse complement: HPS1 is on the minus strand); the first of 5 consecutive G bases (chr10:98,423,812-98,423,816); duplicating any one gives the same sequence. VCF-style (leftmost placement, unchanged base first): chr10-98423811-T-TG. GRCh37 (hg19) VCF-style: chr10-100183568-T-TG.
Other names: c.501dup, p.Ser168fs (NM_001311345.2, NM_001322487.2, NM_001322489.2); c.1473dup, p.Ser492fs (NM_001322476.2, NM_001322477.2); c.1374dup, p.Ser459fs (NM_001322478.2, NM_001322479.2); c.1212dup, p.Ser405fs (NM_001322480.2, NM_001322481.2); c.1113dup, p.Ser372fs (NM_001322482.2); c.1104dup, p.Ser369fs (NM_001322483.2, NM_001322484.2); c.1005dup, p.Ser336fs (NM_001322485.2); short protein forms S336fs, S459fs, S369fs, S372fs, S492fs, S168fs, S405fs.
Identifiers: ClinVar variation 1445812 (VCV001445812.8), dbSNP rs1278834481, ClinGen allele CA595641979.